The following is an entry in ClinVar:

NM_014915.3(ANKRD26):c.4984A>G (p.Arg1662Gly)

Gene: ANKRD26 (ankyrin repeat domain 26; minus strand). Cytogenetic location: 10p12.1.
Variant type: single nucleotide variant.
Coding change: c.4984A>G on transcript NM_014915.3 (MANE Select); coding-DNA position 4984, A replaced by G.
Protein change: p.Arg1662Gly; replaces arginine 1662 with glycine.
Molecular consequence: missense variant.
Genome position (GRCh38, 1-based): chr10:27,006,932, T>C on the plus strand (A>G on the coding strand, the complement: ANKRD26 is on the minus strand). VCF-style: chr10-27006932-T-C. GRCh37 (hg19) VCF-style: chr10-27295861-T-C.
Other names: c.4981A>G, p.Arg1661Gly (NM_001256053.2); short protein forms R1661G, R1662G.
Identifiers: ClinVar variation 4858944 (VCV004858944.1).
Genomic context (GRCh38, chr10:27,006,932, plus strand): 5'-TCAATTAATTAATCTAAATTTAATTCATGAAGTTTGGCAACATACCTTCTTTGAGTTCTC[T>C]AGTTATATTTTTTTCCAACTCCTGCTGCATCTGAAAAAAGTCAAATGTTATTTATAATGT-3'
Protein context (NP_055730.2, residues 1652-1672): MQQELEKNIT[Arg1662Gly]ELKEAAAELE

ClinVar aggregate classification (germline): Uncertain significance (1 of 4 stars; one submission).

Conditions:
Inborn genetic diseases. Identifiers: MedGen C0950123, MeSH D030342.

gnomAD v4.1: 1 of 1,609,744 alleles (0.000062%); highest among the groups gnomAD compares: South Asian, 0.0011%; no homozygotes.

Submission:

Ambry Genetics
Classification: Uncertain significance for Inborn genetic diseases. Last evaluated: 2026-06-14. Review status: criteria provided, single submitter. Criteria: Ambry Variant Classification Scheme 2023. Collection method: clinical testing. Allele origin: germline.
Comment: The p.R1662G variant (also known as c.4984A>G), located in coding exon 33 of the ANKRD26 gene, results from an A to G substitution at nucleotide position 4984. The arginine at codon 1662 is replaced by glycine, an amino acid with dissimilar properties. This amino acid position is conserved. In addition, this alteration is predicted to be tolerated by in silico analysis. Based on the available evidence, the clinical significance of this variant remains unclear.